The following is an entry in ClinVar:

NM_182914.3(SYNE2):c.6040G>T (p.Glu2014Ter)

Gene: SYNE2 (spectrin repeat containing nuclear envelope protein 2; plus strand). Cytogenetic location: 14q23.2.
Variant type: single nucleotide variant.
Coding change: c.6040G>T on transcript NM_182914.3 (MANE Select); coding-DNA position 6040, G replaced by T.
Protein change: p.Glu2014Ter; replaces glutamic acid 2014 with a stop codon.
Molecular consequence: nonsense.
Genome position (GRCh38, 1-based): chr14:64,025,209, G>T. VCF-style: chr14-64025209-G-T. GRCh37 (hg19) VCF-style: chr14-64491927-G-T.
Other names: c.6040G>T, p.Glu2014Ter (NM_015180.6); short protein forms E2014*.
Identifiers: ClinVar variation 1406586 (VCV001406586.6), dbSNP rs961554467, ClinGen allele CA261814963.

ClinVar aggregate classification (germline): Uncertain significance (1 of 4 stars; one submission).

Conditions:
Emery-Dreifuss muscular dystrophy 5, autosomal dominant (EDMD5). Also called: EMERY-DREIFUSS MUSCULAR DYSTROPHY 5. Identifiers: Orphanet 261, MedGen C2751805, MONDO:0013072, OMIM 612999.

Allele frequency attached by ClinVar (database versions not stated): gnomAD 0.00001; gnomAD exomes 0.00001; TOPMed 0.00002.
gnomAD v4.1: 8 of 1,613,960 alleles (0.0005%); highest among the groups gnomAD compares: Non-Finnish European, 0.00068%; no homozygotes.

Submission:

Labcorp Genetics (formerly Invitae), Labcorp
Classification: Uncertain significance for Emery-Dreifuss muscular dystrophy 5, autosomal dominant. Last evaluated: 2023-03-23. Review status: criteria provided, single submitter. Criteria: Invitae Variant Classification Sherloc (09022015). Collection method: clinical testing. Allele origin: germline.
Comment: This sequence change creates a premature translational stop signal (p.Glu2014*) in the SYNE2 gene. It is expected to result in an absent or disrupted protein product. However, the current clinical and genetic evidence is not sufficient to establish whether loss-of-function variants in SYNE2 cause disease. This variant is not present in population databases (gnomAD no frequency). This variant has not been reported in the literature in individuals affected with SYNE2-related conditions. ClinVar contains an entry for this variant (Variation ID: 1406586). Algorithms developed to predict the effect of sequence changes on RNA splicing suggest that this variant may create or strengthen a splice site. In summary, the available evidence is currently insufficient to determine the role of this variant in disease. Therefore, it has been classified as a Variant of Uncertain Significance.